The following is an entry in ClinVar:

ClinVar aggregate classification (germline): Uncertain significance (1 of 4 stars; one submission).

Allele frequency attached by ClinVar (database versions not stated): TOPMed 0.00001.

Submission:

Labcorp Genetics (formerly Invitae), Labcorp
Classification: Uncertain significance. Last evaluated: 2022-09-27. Review status: criteria provided, single submitter. Criteria: Invitae Variant Classification Sherloc (09022015). Collection method: clinical testing. Allele origin: germline.
Comment: This variant has not been reported in the literature in individuals affected with ZNF408-related conditions. This sequence change replaces proline, which is neutral and non-polar, with threonine, which is neutral and polar, at codon 641 of the ZNF408 protein (p.Pro641Thr). This variant is not present in population databases (gnomAD no frequency). ClinVar contains an entry for this variant (Variation ID: 1349186). Algorithms developed to predict the effect of missense changes on protein structure and function are either unavailable or do not agree on the potential impact of this missense change (SIFT: "Deleterious"; PolyPhen-2: "Benign"; Align-GVGD: "Class C0"). In summary, the available evidence is currently insufficient to determine the role of this variant in disease. Therefore, it has been classified as a Variant of Uncertain Significance.

NM_024741.3(ZNF408):c.1921C>A (p.Pro641Thr)

Gene: ZNF408 (zinc finger protein 408; plus strand). Cytogenetic location: 11p11.2.
Variant type: single nucleotide variant.
Coding change: c.1921C>A on transcript NM_024741.3 (MANE Select); coding-DNA position 1921, C replaced by A.
Protein change: p.Pro641Thr; replaces proline 641 with threonine.
Molecular consequence: missense variant.
Genome position (GRCh38, 1-based): chr11:46,705,621, C>A. VCF-style: chr11-46705621-C-A. GRCh37 (hg19) VCF-style: chr11-46727171-C-A.
Other names: c.1897C>A, p.Pro633Thr (NM_001184751.2); short protein forms P633T, P641T.
Identifiers: ClinVar variation 1349186 (VCV001349186.8), dbSNP rs2064746500, ClinGen allele CA380257805.